The following is an entry in ClinVar:

NM_000264.5(PTCH1):c.2269T>C (p.Phe757Leu)

Genes: PTCH1 (patched 1; minus strand), LOC100507346 (uncharacterized LOC100507346; plus strand). Cytogenetic location: 9q22.32.
Variant type: single nucleotide variant.
Coding change: c.2269T>C on transcript NM_000264.5 (MANE Select); coding-DNA position 2269, T replaced by C.
Protein change: p.Phe757Leu; replaces phenylalanine 757 with leucine.
Molecular consequence: missense variant. On other transcripts: non-coding transcript variant (1).
Genome position (GRCh38, 1-based): chr9:95,467,407, A>G on the plus strand (T>C on the coding strand, the complement: PTCH1 is on the minus strand). VCF-style: chr9-95467407-A-G. GRCh37 (hg19) VCF-style: chr9-98229689-A-G.
Other names: c.2071T>C, p.Phe691Leu (NM_001083602.3); c.2266T>C, p.Phe756Leu (NM_001083603.3); c.1816T>C, p.Phe606Leu (NM_001083604.3, NM_001083605.3, NM_001083606.3 and 1 more transcripts); c.2113T>C, p.Phe705Leu (NM_001354918.2); short protein forms F757L, F606L, F691L, F705L, F756L.
Identifiers: ClinVar variation 4146876 (VCV004146876.2).
Genomic context (GRCh38, chr9:95,467,407, plus strand): 5'-GGTCCAGCCCGTCTCTCACTCGGGTGGTGCCATAAAGGCTGACCCCCAGCAAGCCCAGAA[A>G]AAGGAAGATCACCACTACCTGGAACAGAAGAGGCACAAGGTCAGACCCCAGGGAGCACCA-3'
Protein context (NP_000255.2, residues 747-767): PKAKVVVIFL[Phe757Leu]LGLLGVSLYG

ClinVar aggregate classification (germline): Uncertain significance. Review status: criteria provided, multiple submitters, no conflicts (2 of 4 stars). 2 submissions from 2 submitters: Uncertain significance (2). Last evaluated 2025-07-31.

Conditions:
Hereditary cancer-predisposing syndrome. Also called: Neoplastic Syndromes, Hereditary; Tumor predisposition; Hereditary Cancer Syndrome; Hereditary neoplastic syndrome. Identifiers: Orphanet 140162, MedGen C0027672, MeSH D009386, MONDO:0015356.
Gorlin syndrome. Also called: Nevoid Basal Cell Carcinoma Syndrome; Basal cell nevus syndrome. Identifiers: Orphanet 377, MedGen C0004779, MONDO:0007187.

gnomAD v4.1: 2 of 1,614,162 alleles (0.00012%); highest among the groups gnomAD compares: Non-Finnish European, 0.00017%; no homozygotes.

Submissions (2):

Ambry Genetics
Classification: Uncertain significance for Hereditary cancer-predisposing syndrome. Last evaluated: 2025-07-31. Review status: criteria provided, single submitter. Criteria: Ambry Variant Classification Scheme 2023. Collection method: clinical testing. Allele origin: germline.
Comment: The p.F757L variant (also known as c.2269T>C), located in coding exon 15 of the PTCH1 gene, results from a T to C substitution at nucleotide position 2269. The phenylalanine at codon 757 is replaced by leucine, an amino acid with highly similar properties. This amino acid position is conserved. In addition, the in silico prediction for this alteration is inconclusive. Based on the available evidence, the clinical significance of this variant remains unclear.

Labcorp Genetics (formerly Invitae), Labcorp
Classification: Uncertain significance for Gorlin syndrome. Last evaluated: 2025-05-05. Review status: criteria provided, single submitter. Criteria: Invitae Variant Classification Sherloc (09022015). Collection method: clinical testing. Allele origin: germline.
Comment: This sequence change replaces phenylalanine, which is neutral and non-polar, with leucine, which is neutral and non-polar, at codon 757 of the PTCH1 protein (p.Phe757Leu). This variant is not present in population databases (gnomAD no frequency). This variant has not been reported in the literature in individuals affected with PTCH1-related conditions. Invitae Evidence Modeling of protein sequence and biophysical properties (such as structural, functional, and spatial information, amino acid conservation, physicochemical variation, residue mobility, and thermodynamic stability) has been performed for this missense variant. However, the output from this modeling did not meet the statistical confidence thresholds required to predict the impact of this variant on PTCH1 protein function. In summary, the available evidence is currently insufficient to determine the role of this variant in disease. Therefore, it has been classified as a Variant of Uncertain Significance.